The following is an entry in ClinVar:

NM_153460.4(IL17RC):c.192G>A (p.Thr64=)

Gene: IL17RC (interleukin 17 receptor C; plus strand). Cytogenetic location: 3p25.3.
Variant type: single nucleotide variant.
Coding change: c.192G>A on transcript NM_153460.4 (MANE Select); coding-DNA position 192, G replaced by A.
Protein change: p.Thr64=; no amino-acid change (threonine 64 retained).
Molecular consequence: synonymous variant. On other transcripts: non-coding transcript variant (1).
Genome position (GRCh38, 1-based): chr3:9,917,987, G>A. VCF-style: chr3-9917987-G-A. GRCh37 (hg19) VCF-style: chr3-9959671-G-A.
Other names: c.192G>A, p.Thr64= (NM_001203263.2, NM_001203264.2, NM_001203265.2 and 4 more transcripts); c.405G>A, p.Thr135= (NM_153461.4).
Identifiers: ClinVar variation 738008 (VCV000738008.14), dbSNP rs142241185, ClinGen allele CA2246768.

ClinVar aggregate classification (germline): Likely benign. Review status: criteria provided, multiple submitters, no conflicts (2 of 4 stars). 4 submissions from 4 submitters: Likely benign (3). 1 of the submissions does not count toward it. Last evaluated 2025-11-12.

Conditions:
IL17RC-related disorder. Also called: IL17RC-related condition.
Candidiasis, familial, 9 (CANDF9). Identifiers: Orphanet 1334, MedGen C4225324, MONDO:0014642, OMIM 616445.

Allele frequency attached by ClinVar (database versions not stated): ESP Exome Variant Server 0.00008; gnomAD 0.00010 and 0.00011; TOPMed 0.00015; ExAC 0.00025; 1000 Genomes Project 30x 0.00031; 1000 Genomes Project 0.00040.
gnomAD v4.1: 185 of 1,613,862 alleles (0.011%); highest among the groups gnomAD compares: South Asian, 0.046%; no homozygotes.

Submissions (4):

Labcorp Genetics (formerly Invitae), Labcorp
Classification: Likely benign for Candidiasis, familial, 9. Last evaluated: 2025-11-12. Review status: criteria provided, single submitter. Criteria: Invitae Variant Classification Sherloc (09022015). Collection method: clinical testing. Allele origin: germline.

Blueprint Genetics
Classification: Likely benign. Last evaluated: 2024-10-23. Review status: criteria provided, single submitter. Criteria: ACMG Guidelines, 2015. Collection method: clinical testing. Allele origin: germline.

Breakthrough Genomics
Classification: Likely benign. Review status: criteria provided, single submitter. Criteria: ACMG Guidelines, 2015. Collection method: not provided. Allele origin: germline. Inheritance: Autosomal recessive inheritance. Affected: yes.

PreventionGenetics, part of Exact Sciences
Classification: Likely benign for IL17RC-related condition. Last evaluated: 2019-04-04. Review status: no assertion criteria provided. Collection method: clinical testing. Allele origin: germline. Not counted in ClinVar's aggregate classification.
Comment: This variant is classified as likely benign based on ACMG/AMP sequence variant interpretation guidelines (Richards et al. 2015 PMID: 25741868, with internal and published modifications).